The following is an entry in ClinVar:

ClinVar aggregate classification (germline): Likely benign (0 of 4 stars; one submission).

Conditions:
FLI1-related disorder. Also called: FLI1-related condition.

Submission:

PreventionGenetics, part of Exact Sciences
Classification: Likely benign for FLI1-related condition. Last evaluated: 2024-02-09. Review status: no assertion criteria provided. Collection method: clinical testing. Allele origin: germline.
Comment: This variant is classified as likely benign based on ACMG/AMP sequence variant interpretation guidelines (Richards et al. 2015 PMID: 25741868, with internal and published modifications).

NM_002017.5(FLI1):c.288G>A (p.Glu96=)

Gene: FLI1 (Fli-1 proto-oncogene, ETS transcription factor; plus strand). Cytogenetic location: 11q24.3.
Variant type: single nucleotide variant.
Coding change: c.288G>A on transcript NM_002017.5 (MANE Select); coding-DNA position 288, G replaced by A.
Protein change: p.Glu96=; no amino-acid change (glutamic acid 96 retained).
Molecular consequence: synonymous variant. On other transcripts: intron variant (1).
Genome position (GRCh38, 1-based): chr11:128,768,175, G>A. VCF-style: chr11-128768175-G-A. GRCh37 (hg19) VCF-style: chr11-128638070-G-A.
Other names: c.189G>A, p.Glu63= (NM_001167681.3); c.90G>A, p.Glu30= (NM_001271010.2); c.10+9849G>A (NM_001271012.2).
Identifiers: ClinVar variation 3061234 (VCV003061234.2), dbSNP rs920357140, ClinGen allele CA230631580.